The following is an entry in ClinVar:

NM_015895.5(GMNN):c.265A>T (p.Met89Leu)

Gene: GMNN (geminin DNA replication inhibitor; plus strand). Cytogenetic location: 6p22.3.
Variant type: single nucleotide variant.
Coding change: c.265A>T on transcript NM_015895.5 (MANE Select); coding-DNA position 265, A replaced by T.
Protein change: p.Met89Leu; replaces methionine 89 with leucine.
Molecular consequence: missense variant.
Genome position (GRCh38, 1-based): chr6:24,781,612, A>T. VCF-style: chr6-24781612-A-T. GRCh37 (hg19) VCF-style: chr6-24781840-A-T.
Other names: c.265A>T, p.Met89Leu (NM_001251989.2, NM_001251990.2, NM_001251991.1); c.265A>T (NM_015895.3); short protein forms M89L.
Identifiers: ClinVar variation 2820523 (VCV002820523.4), dbSNP rs2532436125, ClinGen allele CA362990429.

ClinVar aggregate classification (germline): Uncertain significance. Review status: criteria provided, multiple submitters, no conflicts (2 of 4 stars). 2 submissions from 2 submitters: Uncertain significance (2). Last evaluated 2025-01-24.

Conditions:
Inborn genetic diseases. Identifiers: MedGen C0950123, MeSH D030342.

Allele frequency attached by ClinVar (database versions not stated): gnomAD exomes below 0.00001.
gnomAD v4.1: 1 of 1,457,356 alleles (0.000069%); highest among the groups gnomAD compares: Non-Finnish European, 0.000093%; no homozygotes.

Submissions (2):

Ambry Genetics
Classification: Uncertain significance for Inborn genetic diseases. Last evaluated: 2025-01-24. Review status: criteria provided, single submitter. Criteria: Ambry Variant Classification Scheme 2023. Collection method: clinical testing. Allele origin: germline.

Labcorp Genetics (formerly Invitae), Labcorp
Classification: Uncertain significance. Last evaluated: 2024-07-29. Review status: criteria provided, single submitter. Criteria: Invitae Variant Classification Sherloc (09022015). Collection method: clinical testing. Allele origin: germline.
Comment: This sequence change replaces methionine, which is neutral and non-polar, with leucine, which is neutral and non-polar, at codon 89 of the GMNN protein (p.Met89Leu). This variant is not present in population databases (gnomAD no frequency). This variant has not been reported in the literature in individuals affected with GMNN-related conditions. An algorithm developed to predict the effect of missense changes on protein structure and function (PolyPhen-2) suggests that this variant is likely to be tolerated. In summary, the available evidence is currently insufficient to determine the role of this variant in disease. Therefore, it has been classified as a Variant of Uncertain Significance.